The following is an entry in ClinVar:

ClinVar aggregate classification (germline): Conflicting classifications of pathogenicity. Review status: criteria provided, conflicting classifications (1 of 4 stars). 6 submissions from 6 submitters: Pathogenic (1); Likely pathogenic (4); Uncertain significance (1). Last evaluated 2026-04-14.

Conditions:
Familial intrahepatic cholestasis. Identifiers: Orphanet 284385, MedGen CN296401, MONDO:0017290.
Benign recurrent intrahepatic cholestasis type 2 (BRIC2). Also called: Recurrent familial intrahepatic cholestasis 2. Identifiers: Orphanet 65682, Orphanet 99961, MedGen C2608083, MONDO:0011559, OMIM 605479.
Progressive familial intrahepatic cholestasis type 2. Identifiers: Orphanet 79304, MedGen C3489789, MONDO:0011156, OMIM 601847.

Allele frequency attached by ClinVar (database versions not stated): gnomAD exomes below 0.00001; ExAC 0.00001; gnomAD 0.00001; TOPMed 0.00001.
gnomAD v4.1: 7 of 1,575,166 alleles (0.00044%); highest among the groups gnomAD compares: African/African-American, 0.0014%; no homozygotes.

Submissions (6):

Genomenon, Inc
Classification: Likely pathogenic for Familial intrahepatic cholestasis. Last evaluated: 2026-04-14. Review status: criteria provided, single submitter. Criteria: Genomenon Sequence Variant Interpretation Standards - Updated. Collection method: curation. Allele origin: germline. Affected: yes.
Comment: ABCB11 p.Arg1128His (c.3383G>A) is a missense variant that changes the amino acid at residue 1128 from Arginine to Histidine. This variant has been observed in at least one proband with an ABCB11-related disorder (PMID:35780807;15300568). The variant was found to segregate with disease in at least one affected family (PMID:15300568). Functional studies have been reported (PMID:19101985). It is absent or not present at a significant frequency in gnomAD. In silico models predict that this variant is possibly or probably damaging. In conclusion, we classify ABCB11 p.Arg1128His (c.3383G>A) as a likely pathogenic variant.

Laboratory of Genetics, Children's Clinical University Hospital Latvia
Classification: Likely pathogenic. Last evaluated: 2025-02-16. Review status: criteria provided, single submitter. Criteria: ACMG Guidelines, 2015. Collection method: clinical testing. Allele origin: germline. Affected: yes.

Broad Center for Mendelian Genomics, Broad Institute of MIT and Harvard
Classification: Likely pathogenic for Progressive familial intrahepatic cholestasis type 2. Last evaluated: 2025-01-23. Review status: criteria provided, single submitter. Criteria: ACMG Guidelines, 2015. Collection method: curation. Allele origin: germline. Inheritance: Autosomal recessive inheritance.
Comment: The p.Arg1128His variant in ABCB11 has been reported, in the homozygous state, in two siblings with BSEP deficiency (PMID: 15300568), and has been identified in 0.001% (1/73932) of African/African American chromosomes by the Genome Aggregation Database (gnomAD; dbSNP rs756220860). Although this variant has been seen in the general population in a heterozygous state, its frequency is low enough to be consistent with a recessive carrier frequency. This variant has also been reported in ClinVar (Variation ID: 286119) and has been interpreted as a variant of uncertain significance by Eurofins Ntd Llc (ga) and as likely pathogenic by Invitae. In vitro functional studies provide some evidence that the p.Arg1128His variant may slightly impact protein function (PMID: 19101985). However, these types of assays may not accurately represent biological function. Computational prediction tools and conservation analyses suggest that this variant may impact the protein, though this information is not predictive enough to determine pathogenicity. One additional pathogenic variant, resulting in a different amino acid change at the same position, p.Arg1128Cys, has been reported in association with disease in ClinVar, supporting that a change at this position may not be tolerated (Variation ID: 639640). In summary, although additional studies are required to fully establish its clinical significance, this variant is likely pathogenic for autosomal recessive BSEP deficiency. ACMG/AMP Criteria applied: PM5, PP3_moderate, PM2_supporting, PM3_supporting, PS3_supporting (Richards 2015).

Labcorp Genetics (formerly Invitae), Labcorp
Classification: Pathogenic. Last evaluated: 2024-02-11. Review status: criteria provided, single submitter. Criteria: Invitae Variant Classification Sherloc (09022015). Collection method: clinical testing. Allele origin: germline.
Comment: This sequence change replaces arginine, which is basic and polar, with histidine, which is basic and polar, at codon 1128 of the ABCB11 protein (p.Arg1128His). This variant is present in population databases (rs756220860, gnomAD 0.0009%). This missense change has been observed in individual(s) with ABCB11-related conditions (PMID: 15300568). It has also been observed to segregate with disease in related individuals. ClinVar contains an entry for this variant (Variation ID: 286119). Advanced modeling of protein sequence and biophysical properties (such as structural, functional, and spatial information, amino acid conservation, physicochemical variation, residue mobility, and thermodynamic stability) performed at Invitae indicates that this missense variant is expected to disrupt ABCB11 protein function with a positive predictive value of 95%. Experimental studies have shown that this missense change affects ABCB11 function (PMID: 19101985). This variant disrupts the p.Arg1128 amino acid residue in ABCB11. Other variant(s) that disrupt this residue have been determined to be pathogenic (PMID: 18395098, 19101985, 20232290, 25716872). This suggests that this residue is clinically significant, and that variants that disrupt this residue are likely to be disease-causing. For these reasons, this variant has been classified as Pathogenic.

Baylor Genetics
Classification: Likely pathogenic for Benign recurrent intrahepatic cholestasis type 2. Last evaluated: 2024-01-25. Review status: criteria provided, single submitter. Criteria: ACMG Guidelines, 2015. Collection method: clinical testing. Allele origin: unknown.

Eurofins Ntd Llc (ga)
Classification: Uncertain significance. Last evaluated: 2017-05-05. Review status: criteria provided, single submitter. Criteria: EGL Classification Definitions 2015. Collection method: clinical testing. Allele origin: germline. Observed: 2 variant alleles, 2 heterozygotes.

Literature cited by the submitters: PubMed 35780807 (cited by Genomenon, Inc); PubMed 15300568 (cited by Genomenon, Inc and Labcorp Genetics (formerly Invitae), Labcorp); PubMed 19101985 (cited by 3 submitters); PubMed 18395098 (cited by Labcorp Genetics (formerly Invitae), Labcorp); PubMed 20232290 (cited by Labcorp Genetics (formerly Invitae), Labcorp); PubMed 25716872 (cited by Labcorp Genetics (formerly Invitae), Labcorp).

NM_003742.4(ABCB11):c.3383G>A (p.Arg1128His)

Gene: ABCB11 (ATP binding cassette subfamily B member 11; minus strand). Cytogenetic location: 2q31.1.
Variant type: single nucleotide variant.
Coding change: c.3383G>A on transcript NM_003742.4 (MANE Select); coding-DNA position 3383, G replaced by A.
Protein change: p.Arg1128His; replaces arginine 1128 with histidine.
Molecular consequence: missense variant.
Genome position (GRCh38, 1-based): chr2:168,930,693, C>T on the plus strand (G>A on the coding strand, the complement: ABCB11 is on the minus strand). VCF-style: chr2-168930693-C-T. GRCh37 (hg19) VCF-style: chr2-169787203-C-T.
Other names: NM_003742.4(ABCB11):c.3383G>A; c.3383G>A, p.Arg1128His (LRG_1199t1); short protein forms R1128H.
Identifiers: ClinVar variation 286119 (VCV000286119.18), dbSNP rs756220860, ClinGen allele CA1951041.